The following is an entry in ClinVar:

ClinVar aggregate classification (germline): Conflicting classifications of pathogenicity. Review status: criteria provided, conflicting classifications (1 of 4 stars). 6 submissions from 6 submitters: Uncertain significance (2); Likely benign (1). 3 of the submissions do not count toward it. Last evaluated 2025-12-01.

Conditions:
GRN-related disorder. Also called: GRN-related condition; GRN-related disorders.
Inborn genetic diseases. Identifiers: MedGen C0950123, MeSH D030342.
GRN-related frontotemporal lobar degeneration with Tdp43 inclusions (FTD2). Also called: GRN Frontotemporal Dementia; DEMENTIA, HEREDITARY DYSPHASIC DISINHIBITION; FRONTOTEMPORAL LOBAR DEGENERATION WITH UBIQUITIN-POSITIVE INCLUSIONS; FTLD-TDP, GRN-RELATED; FRONTOTEMPORAL DEMENTIA WITH TDP43 INCLUSIONS, GRN-RELATED. Identifiers: Orphanet 100070, Orphanet 282, MedGen C1843792, MONDO:0011842, OMIM 607485. Disease mechanism: loss of function.
Neuronal ceroid lipofuscinosis 11. Also called: GRN-Related Neuronal Ceroid-Lipofuscinosis. Identifiers: Orphanet 314629, Orphanet 79262, MedGen C3539123, MONDO:0013866, OMIM 614706.

Allele frequency attached by ClinVar (database versions not stated): gnomAD exomes 0.00001 and 0.00003; ExAC 0.00002; gnomAD 0.00002 and 0.00003; TOPMed 0.00003.

Submissions (6):

Labcorp Genetics (formerly Invitae), Labcorp
Classification: Uncertain significance for Neuronal ceroid lipofuscinosis 11; GRN-related frontotemporal lobar degeneration with Tdp43 inclusions. Last evaluated: 2025-12-01. Review status: criteria provided, single submitter. Criteria: Invitae Variant Classification Sherloc (09022015). Collection method: clinical testing. Allele origin: germline.
Comment: This sequence change falls in intron 2 of the GRN gene. It does not directly change the encoded amino acid sequence of the GRN protein. It affects a nucleotide within the consensus splice site. This variant is present in population databases (rs371119011, gnomAD 0.01%). This variant has not been reported in the literature in individuals affected with GRN-related conditions. ClinVar contains an entry for this variant (Variation ID: 588760). Variants that disrupt the consensus splice site are a relatively common cause of aberrant splicing (PMID: 17576681, 9536098). Algorithms developed to predict the effect of sequence changes on RNA splicing suggest that this variant is not likely to affect RNA splicing. In summary, the available evidence is currently insufficient to determine the role of this variant in disease. Therefore, it has been classified as a Variant of Uncertain Significance.

Illumina Laboratory Services, Illumina
Classification: Likely benign for GRN-related frontotemporal lobar degeneration with Tdp43 inclusions. Last evaluated: 2018-01-13. Review status: criteria provided, single submitter. Criteria: ICSL Variant Classification Criteria 13 December 2019. Collection method: clinical testing. Allele origin: germline.
Comment: This variant was observed in the ICSL laboratory as part of a predisposition screen in an ostensibly healthy population. It had not been previously curated by ICSL or reported in the Human Gene Mutation Database (HGMD: prior to June 1st, 2018), and was therefore a candidate for classification through an automated scoring system. Utilizing variant allele frequency, disease prevalence and penetrance estimates, and inheritance mode, an automated score was calculated to assess if this variant is too frequent to cause the disease. Based on the score and internal cut-off values, a variant classified as likely benign is not then subjected to further curation. The score for this variant resulted in a classification of likely benign for this disease.

Ambry Genetics
Classification: Uncertain significance for Inborn genetic diseases. Last evaluated: 2017-02-07. Review status: criteria provided, single submitter. Criteria: Ambry Variant Classification Scheme 2023. Collection method: clinical testing. Allele origin: germline.
Comment: The c.139-3T>C intronic variant results from a T to C substitution 3 nucleotides upstream from coding exon 2 in the GRN gene. This nucleotide position is conserved through mammals. Using the BDGP and ESEfinder splice site prediction tools, this alteration is not predicted to have any significant effect on this splice acceptor site; however, direct evidence is unavailable. Since supporting evidence is limited at this time, the clinical significance of this variant remains unclear.

PreventionGenetics, part of Exact Sciences
Classification: Likely benign for GRN-related condition. Last evaluated: 2019-10-03. Review status: no assertion criteria provided. Collection method: clinical testing. Allele origin: germline. Not counted in ClinVar's aggregate classification.
Comment: This variant is classified as likely benign based on ACMG/AMP sequence variant interpretation guidelines (Richards et al. 2015 PMID: 25741868, with internal and published modifications).

Clinical Genetics DNA and cytogenetics Diagnostics Lab, Erasmus MC, Erasmus Medical Center
Classification: Likely benign. Review status: no assertion criteria provided. Collection method: clinical testing. Allele origin: germline. Affected: yes. Study: VKGL Data-share Consensus. Not counted in ClinVar's aggregate classification.

Genome Diagnostics Laboratory, University Medical Center Utrecht
Classification: Likely benign. Review status: no assertion criteria provided. Collection method: clinical testing. Allele origin: germline. Affected: yes. Study: VKGL Data-share Consensus. Not counted in ClinVar's aggregate classification.

Literature cited by the submitters: PubMed 17576681 (cited by Labcorp Genetics (formerly Invitae), Labcorp); PubMed 9536098 (cited by Labcorp Genetics (formerly Invitae), Labcorp).

NM_002087.4(GRN):c.139-3T>C

Gene: GRN (granulin precursor; plus strand). Cytogenetic location: 17q21.31.
Variant type: single nucleotide variant.
Coding change: c.139-3T>C on transcript NM_002087.4 (MANE Select); 3 bases into the intron before coding-DNA position 139, T replaced by C.
Molecular consequence: intron variant.
Genome position (GRCh38, 1-based): chr17:44,349,423, T>C. VCF-style: chr17-44349423-T-C. GRCh37 (hg19) VCF-style: chr17-42426791-T-C.
Identifiers: ClinVar variation 588760 (VCV000588760.21), dbSNP rs371119011, ClinGen allele CA8601776.